The following is an entry in ClinVar:

NM_001330260.2(SCN8A):c.5606T>C (p.Met1869Thr)

Gene: SCN8A (sodium voltage-gated channel alpha subunit 8; plus strand). Cytogenetic location: 12q13.13.
Variant type: single nucleotide variant.
Coding change: c.5606T>C on transcript NM_001330260.2 (MANE Select); coding-DNA position 5606, T replaced by C.
Protein change: p.Met1869Thr; replaces methionine 1869 with threonine.
Molecular consequence: missense variant.
Genome position (GRCh38, 1-based): chr12:51,807,092, T>C. VCF-style: chr12-51807092-T-C. GRCh37 (hg19) VCF-style: chr12-52200876-T-C.
Other names: c.5483T>C, p.Met1828Thr (NM_001177984.3, NM_001369788.1); c.5606T>C, p.Met1869Thr (NM_014191.4); short protein forms M1869T, M1828T.
Identifiers: ClinVar variation 420831 (VCV000420831.13), dbSNP rs1064794727, ClinGen allele CA16619566.
Genomic context (GRCh38, chr12:51,807,092, plus strand): 5'-TTGCCTTCACCAAGCGGGTCCTGGGAGATAGCGGGGAGTTGGACATCCTGCGGCAGCAGA[T>C]GGAAGAGCGGTTCGTGGCATCCAATCCTTCCAAAGTGTCTTACGAGCCAATCACAACCAC-3'
Protein context (NP_001317189.1, residues 1859-1879): SGELDILRQQ[Met1869Thr]EERFVASNPS

ClinVar aggregate classification (germline): Pathogenic/Likely pathogenic. Review status: criteria provided, multiple submitters, no conflicts (2 of 4 stars). 4 submissions from 4 submitters: Pathogenic (1); Likely pathogenic (3). Last evaluated 2024-09-05.

Conditions:
Early-infantile DEE. Also called: Early infantile epileptic encephalopathy; Early infantile epileptic encephalopathy with suppression bursts; Ohtahara syndrome. Identifiers: Orphanet 1934, MedGen C0393706, MONDO:0800491.
SCN8A-related disorder.
Seizures, benign familial infantile, 5 (BFIS5). Also called: CONVULSIONS, BENIGN FAMILIAL INFANTILE, 5. Identifiers: Orphanet 306, MedGen C4310728, MONDO:0014903, OMIM 617080.
Cognitive impairment with or without cerebellar ataxia (CIAT). Identifiers: MedGen C3280415, MONDO:0013680, OMIM 614306.
Developmental and epileptic encephalopathy, 13 (DEE13). Also called: SCN8A-Related Epilepsy; Early infantile epileptic encephalopathy 13; Developmental and Epileptic Encephalopathy (SCN8A-DEE). Identifiers: Orphanet 442835, MedGen C3281191, MONDO:0013801, OMIM 614558.

Submissions (4):

Labcorp Genetics (formerly Invitae), Labcorp
Classification: Pathogenic for Early-infantile DEE. Last evaluated: 2024-09-05. Review status: criteria provided, single submitter. Criteria: Invitae Variant Classification Sherloc (09022015). Collection method: clinical testing. Allele origin: germline.
Comment: This sequence change replaces methionine, which is neutral and non-polar, with threonine, which is neutral and polar, at codon 1869 of the SCN8A protein (p.Met1869Thr). This variant is not present in population databases (gnomAD no frequency). This missense change has been observed in individual(s) with SCN8A-related conditions (internal data). In at least one individual the variant was observed to be de novo. ClinVar contains an entry for this variant (Variation ID: 420831). Invitae Evidence Modeling of protein sequence and biophysical properties (such as structural, functional, and spatial information, amino acid conservation, physicochemical variation, residue mobility, and thermodynamic stability) indicates that this missense variant is expected to disrupt SCN8A protein function with a positive predictive value of 95%. For these reasons, this variant has been classified as Pathogenic.

Blueprint Genetics
Classification: Likely pathogenic for SCN8A-related disorders. Last evaluated: 2022-12-28. Review status: criteria provided, single submitter. Criteria: ACMG Guidelines, 2015. Collection method: clinical testing. Allele origin: germline. Affected: yes. Observed: 1 variant allele.

Fulgent Genetics
Classification: Likely pathogenic for Cognitive impairment with or without cerebellar ataxia; Developmental and epileptic encephalopathy, 13; Seizures, benign familial infantile, 5. Last evaluated: 2018-10-31. Review status: criteria provided, single submitter. Criteria: ACMG Guidelines, 2015. Collection method: clinical testing. Allele origin: unknown.

GeneDx
Classification: Likely pathogenic. Last evaluated: 2018-02-23. Review status: criteria provided, single submitter. Criteria: GeneDx Variant Classification (06012015). Collection method: clinical testing. Allele origin: germline. Affected: yes.
Comment: A variant that is likely pathogenic has been identified in the SCN8A gene. The M1869T variant has not been published as a pathogenic variant, nor has it been reported as a benign variant to our knowledge. It was not observed in approximately 6,300 individuals of European and African American ancestry in the NHLBI Exome Sequencing Project, indicating it is not a common benign variant in these populations. The M1869T variant is a non-conservative amino acid substitution, which is likely to impact secondary protein structure as these residues differ in polarity, charge, size and/or other properties. Additionally, this substitution occurs at a position that is conserved across species that is predicted to be within the C-terminal cytoplasmic domain of the SCN8A protein, and in silico analysis predicts this variant is probably damaging to the protein structure/function. Furthermore, missense variants in nearby residues (E1870D, R1872W/Q) have been reported in the Human Gene Mutation Database in association with SCN8A-related disorders (Stenson et al., 2014), supporting the functional importance of this region of the protein. Additionally, targeted parental test results indicate this variant is assumed to be de novo. Therefore, we now interpret M1869T as a likely pathogenic variant; however, the possibility that it is benign cannot be excluded.